The following is an entry in ClinVar:

NM_000540.3(RYR1):c.10681G>A (p.Gly3561Arg)

Gene: RYR1 (ryanodine receptor 1; plus strand). Cytogenetic location: 19q13.2.
Variant type: single nucleotide variant.
Coding change: c.10681G>A on transcript NM_000540.3 (MANE Select); coding-DNA position 10681, G replaced by A.
Protein change: p.Gly3561Arg; replaces glycine 3561 with arginine.
Molecular consequence: missense variant.
Genome position (GRCh38, 1-based): chr19:38,527,047, G>A. VCF-style: chr19-38527047-G-A. GRCh37 (hg19) VCF-style: chr19-39017687-G-A.
Other names: c.10666G>A, p.Gly3556Arg (NM_001042723.2); short protein forms G3556R, G3561R.
Identifiers: ClinVar variation 948264 (VCV000948264.17), dbSNP rs771320029, ClinGen allele CA054346.

ClinVar aggregate classification (germline): Uncertain significance. Review status: criteria provided, multiple submitters, no conflicts (2 of 4 stars). 7 submissions from 7 submitters: Uncertain significance (5). 2 of the submissions do not count toward it. Last evaluated 2025-06-24.

Conditions:
RYR1-related disorder. Also called: RYR1-related disorders; RYR1-related condition. Identifiers: MedGen CN239331.
Malignant hyperthermia, susceptibility to, 1 (MHS1). Also called: Malignant hyperthermia suceptibility 1; RYR1-Related Malignant Hyperthermia Susceptibility; Anesthesia related hyperthermia; Malignant hyperpyrexia; Fulminating hyperpyrexia; Pharmacogenic myopathy. Identifiers: Orphanet 423, MedGen C2930980, MONDO:0007783, OMIM 145600.

Allele frequency attached by ClinVar (database versions not stated): gnomAD 0.00001; gnomAD exomes 0.00001; TOPMed 0.00001; ExAC 0.00002.
gnomAD v4.1: 23 of 1,613,776 alleles (0.0014%); highest among the groups gnomAD compares: Admixed American, 0.005%; no homozygotes.

Submissions (7):

Color Diagnostics, LLC DBA Color Health
Classification: Uncertain significance for Malignant hyperthermia, susceptibility to, 1. Last evaluated: 2025-06-24. Review status: criteria provided, single submitter. Criteria: ACMG Guidelines, 2015. Collection method: clinical testing. Allele origin: germline.
Comment: This missense variant replaces glycine with arginine at codon 3561 of the RYR1 protein. Computational prediction suggests that this variant may have deleterious impact on protein structure and function. To our knowledge, functional studies have not been reported for this variant. This variant has not been reported in individuals affected with malignant hyperthermia susceptibility in the literature and has been reported in at least one individual with a negative IVCT (PMID: 29635721, 30788618). This variant has been identified in 4/282812 chromosomes in the general population by the Genome Aggregation Database (gnomAD). The available evidence is insufficient to determine the role of this variant in disease conclusively. Therefore, this variant is classified as a Variant of Uncertain Significance.

GeneDx
Classification: Uncertain significance. Last evaluated: 2024-12-20. Review status: criteria provided, single submitter. Criteria: GeneDx Variant Classification Process June 2021. Collection method: clinical testing. Allele origin: germline. Affected: yes.
Comment: Identified in multiple patients with rhabdomyolysis in published literature, although detailed clinical information about these individuals was not provided (PMID: 29635721, 30788618); Not observed at significant frequency in large population cohorts (gnomAD); In silico analysis supports that this missense variant has a deleterious effect on protein structure/function; This variant is associated with the following publications: (PMID: 30788618, 29635721)

Women's Health and Genetics/Laboratory Corporation of America, LabCorp
Classification: Uncertain significance. Last evaluated: 2024-10-16. Review status: criteria provided, single submitter. Criteria: LabCorp Variant Classification Summary - May 2015. Collection method: clinical testing. Allele origin: germline.
Comment: Variant summary: RYR1 c.10681G>A (p.Gly3561Arg) results in a non-conservative amino acid change in the encoded protein sequence. Four of five in-silico tools predict a damaging effect of the variant on protein function. The variant allele was found at a frequency of 1.2e-05 in 251418 control chromosomes. c.10681G>A has been reported in the literature in individuals affected with rhabdomyolysis (Witting_2018, Knuiman_2019). These data indicate that the variant may be associated with disease. To our knowledge, no experimental evidence demonstrating an impact on protein function has been reported. The following publications have been ascertained in the context of this evaluation (PMID: 30788618, 29635721). ClinVar contains an entry for this variant (Variation ID: 948264). Based on the evidence outlined above, the variant was classified as VUS-possibly pathogenic.

Labcorp Genetics (formerly Invitae), Labcorp
Classification: Uncertain significance for RYR1-related disorder. Last evaluated: 2022-09-06. Review status: criteria provided, single submitter. Criteria: Invitae Variant Classification Sherloc (09022015). Collection method: clinical testing. Allele origin: germline.
Comment: This sequence change replaces glycine, which is neutral and non-polar, with arginine, which is basic and polar, at codon 3561 of the RYR1 protein (p.Gly3561Arg). This variant is present in population databases (rs771320029, gnomAD 0.003%). This missense change has been observed in individual(s) with rhabdomyolysis (PMID: 29635721, 30788618). ClinVar contains an entry for this variant (Variation ID: 948264). Algorithms developed to predict the effect of missense changes on protein structure and function are either unavailable or do not agree on the potential impact of this missense change (SIFT: "Deleterious"; PolyPhen-2: "Benign"; Align-GVGD: "Class C0"). In summary, the available evidence is currently insufficient to determine the role of this variant in disease. Therefore, it has been classified as a Variant of Uncertain Significance.

Revvity Omics, Revvity
Classification: Uncertain significance. Last evaluated: 2022-06-14. Review status: criteria provided, single submitter. Criteria: ACMG Guidelines, 2015. Collection method: clinical testing. Allele origin: germline.

Clinical Genetics DNA and cytogenetics Diagnostics Lab, Erasmus MC, Erasmus Medical Center
Classification: Uncertain significance. Review status: no assertion criteria provided. Collection method: clinical testing. Allele origin: germline. Affected: yes. Study: VKGL Data-share Consensus. Not counted in ClinVar's aggregate classification.

Joint Genome Diagnostic Labs from Nijmegen and Maastricht, Radboudumc and MUMC+
Classification: Uncertain significance. Review status: no assertion criteria provided. Collection method: clinical testing. Allele origin: germline. Affected: yes. Study: VKGL Data-share Consensus. Not counted in ClinVar's aggregate classification.

Literature cited by the submitters: PubMed 29635721 (cited by 3 submitters); PubMed 30788618 (cited by 3 submitters).